The following is an entry in ClinVar:

ClinVar aggregate classification (germline): Uncertain significance (1 of 4 stars; one submission).

Conditions:
Catecholaminergic polymorphic ventricular tachycardia (CVPT). Also called: Catecholamine-induced polymorphic ventricular tachycardia. Identifiers: Orphanet 3286, MedGen C5574922, MONDO:0017990.

Submission:

Labcorp Genetics (formerly Invitae), Labcorp
Classification: Uncertain significance for Catecholaminergic polymorphic ventricular tachycardia. Last evaluated: 2018-03-09. Review status: criteria provided, single submitter. Criteria: Invitae Variant Classification Sherloc (09022015). Collection method: clinical testing. Allele origin: germline.
Comment: This variant is a gross duplication of the genomic region encompassing exons 18-105 of the RYR2 gene. The 5' boundary is likely confined to intron 17. The 3' end of this event is unknown as it extends beyond the assayed region for this gene and therefore may encompass additional genes. The exact location of this variant in the genome is unknown. This variant has not been reported in the literature in individuals with RYR2-related disease. In summary, the available evidence is currently insufficient to determine the role of this variant in disease. Therefore, it has been classified as a Variant of Uncertain Significance.

NC_000001.10:g.(?_237655086)_(237995967_?)dup

Genes: RYR2 (ryanodine receptor 2; plus strand), LOC126806067 (BRD4-independent group 4 enhancer GRCh37_chr1:237753258-237754457; plus strand), LOC126806068 (BRD4-independent group 4 enhancer GRCh37_chr1:237947411-237948610; plus strand). Cytogenetic location: 1q43.
Variant type: Duplication.
Identifiers: ClinVar variation 583594 (VCV000583594.2).